The following is an entry in ClinVar:

NM_001083116.3(PRF1):c.503G>A (p.Ser168Asn)

Gene: PRF1 (perforin 1; minus strand). Cytogenetic location: 10q22.1.
Variant type: single nucleotide variant.
Coding change: c.503G>A on transcript NM_001083116.3 (MANE Select); coding-DNA position 503, G replaced by A.
Protein change: p.Ser168Asn; replaces serine 168 with asparagine.
Molecular consequence: missense variant.
Genome position (GRCh38, 1-based): chr10:70,600,400, C>T on the plus strand (G>A on the coding strand, the complement: PRF1 is on the minus strand). VCF-style: chr10-70600400-C-T. GRCh37 (hg19) VCF-style: chr10-72360156-C-T.
Other names: c.503G>A, p.Ser168Asn (NM_005041.6); short protein forms S168N.
Identifiers: ClinVar variation 1694131 (VCV001694131.16), dbSNP rs779399414, ClinGen allele CA5539021.

ClinVar aggregate classification (germline): Conflicting classifications of pathogenicity. Review status: criteria provided, conflicting classifications (1 of 4 stars). 7 submissions from 7 submitters: Pathogenic (2); Likely pathogenic (2); Uncertain significance (3). Last evaluated 2025-12-19.

Conditions:
Familial hemophagocytic lymphohistiocytosis 2 (FHL2). Also called: PRF1-Related Familial Hemophagocytic Lymphohistiocytosis (PRF1-fHLH). Identifiers: Orphanet 540, MedGen C1863727, MONDO:0011337, OMIM 603553.
Lymphoma, non-Hodgkin, familial. Identifiers: MedGen C4721532, MONDO:0011508, OMIM 605027.
Aplastic anemia. Identifiers: Orphanet 182040, Orphanet 88, MedGen C0002874, MONDO:0015909, OMIM 609135, HP:0001915.
Autoinflammatory syndrome. Identifiers: Orphanet 93665, MedGen C3890737, MONDO:0019751.

Allele frequency attached by ClinVar (database versions not stated): gnomAD exomes below 0.00001 and 0.00003; ExAC 0.00002; TOPMed 0.00002; gnomAD 0.00003.

Submissions (7):

Labcorp Genetics (formerly Invitae), Labcorp
Classification: Pathogenic for Familial hemophagocytic lymphohistiocytosis 2. Last evaluated: 2025-12-19. Review status: criteria provided, single submitter. Criteria: Invitae Variant Classification Sherloc (09022015). Collection method: clinical testing. Allele origin: germline.
Comment: This sequence change replaces serine, which is neutral and polar, with asparagine, which is neutral and polar, at codon 168 of the PRF1 protein (p.Ser168Asn). This variant is present in population databases (rs779399414, gnomAD 0.05%). This missense change has been observed in individual(s) with clinical features of hemophagocytic lymphohistiocytosis (PMID: 20092789, 21674762, 25233452, 29357941, 29665027, 31388699). ClinVar contains an entry for this variant (Variation ID: 1694131). Invitae Evidence Modeling of protein sequence and biophysical properties (such as structural, functional, and spatial information, amino acid conservation, physicochemical variation, residue mobility, and thermodynamic stability) indicates that this missense variant is not expected to disrupt PRF1 protein function with a negative predictive value of 95%. For these reasons, this variant has been classified as Pathogenic.

Myriad Genetics, Inc.
Classification: Pathogenic for Familial hemophagocytic lymphohistiocytosis 2. Last evaluated: 2025-05-13. Review status: criteria provided, single submitter. Criteria: Myriad Autosomal Dominant, Autosomal Recessive and X-Linked Classification Criteria (2023). Collection method: clinical testing. Allele origin: unknown.
Comment: NM_001083116.1(PRF1):c.503G>A(S168N) is a missense variant classified as pathogenic in the context of familial hemophagocytic lymphohistiocytosis, PRF1-related. S168N has been observed in cases with relevant disease (PMID: 20092789, 31388699, 29357941, 30671214, 35902954, 35526261, 21418834, 37851074, 29665027, 37749038, 34339548, 37113032). Relevant functional assessments of this variant are not available in the literature. S168N has been observed in referenced population frequency databases. In summary, NM_001083116.1(PRF1):c.503G>A(S168N) is a missense variant that has been observed more frequently in cases with the relevant disease than in healthy populations. Please note: this variant was assessed in the context of healthy population screening.

Blueprint Genetics
Classification: Uncertain significance. Last evaluated: 2024-06-05. Review status: criteria provided, single submitter. Criteria: ACMG Guidelines, 2015. Collection method: clinical testing. Allele origin: germline.

Baylor Genetics
Classification: Likely pathogenic for Aplastic anemia. Last evaluated: 2024-03-30. Review status: criteria provided, single submitter. Criteria: ACMG Guidelines, 2015. Collection method: clinical testing. Allele origin: unknown.

Genome Diagnostics Laboratory, The Hospital for Sick Children
Classification: Uncertain significance for Autoinflammatory syndrome. Last evaluated: 2022-04-12. Review status: criteria provided, single submitter. Criteria: ACMG Guidelines, 2015. Collection method: clinical testing. Allele origin: germline. Affected: yes.

Revvity Omics, Revvity
Classification: Uncertain significance. Last evaluated: 2021-12-14. Review status: criteria provided, single submitter. Criteria: ACMG Guidelines, 2015. Collection method: clinical testing. Allele origin: germline.

Juno Genomics, Hangzhou Juno Genomics, Inc
Classification: Likely pathogenic for Aplastic anemia; Familial hemophagocytic lymphohistiocytosis 2; Lymphoma, non-Hodgkin, familial. Review status: criteria provided, single submitter. Criteria: ACMG Guidelines, 2015. Collection method: clinical testing. Allele origin: germline.
Comment: Absent from controls (or at extremely low frequency if recessive) in Genome Aggregation Database.;Multiple lines of computational evidence suggest no impact on gene or gene product.;For recessive disorders, detected in trans with a pathogenic variant.

Literature cited by the submitters: PubMed 20092789 (cited by Labcorp Genetics (formerly Invitae), Labcorp and Myriad Genetics, Inc.); PubMed 21674762 (cited by Labcorp Genetics (formerly Invitae), Labcorp); PubMed 25233452 (cited by Labcorp Genetics (formerly Invitae), Labcorp); PubMed 29357941 (cited by Labcorp Genetics (formerly Invitae), Labcorp and Myriad Genetics, Inc.); PubMed 29665027 (cited by Labcorp Genetics (formerly Invitae), Labcorp and Myriad Genetics, Inc.); PubMed 31388699 (cited by Labcorp Genetics (formerly Invitae), Labcorp and Myriad Genetics, Inc.); PubMed 21418834 (cited by Myriad Genetics, Inc.); PubMed 30671214 (cited by Myriad Genetics, Inc.); PubMed 34339548 (cited by Myriad Genetics, Inc.); PubMed 35526261 (cited by Myriad Genetics, Inc.); PubMed 35902954 (cited by Myriad Genetics, Inc.); PubMed 37113032 (cited by Myriad Genetics, Inc.); PubMed 37749038 (cited by Myriad Genetics, Inc.); PubMed 37851074 (cited by Myriad Genetics, Inc.).